The following is an entry in ClinVar:

NM_019098.5(CNGB3):c.1445G>A (p.Trp482Ter)

Gene: CNGB3 (cyclic nucleotide gated channel subunit beta 3; minus strand). Cytogenetic location: 8q21.3.
Variant type: single nucleotide variant.
Coding change: c.1445G>A on transcript NM_019098.5 (MANE Select); coding-DNA position 1445, G replaced by A.
Protein change: p.Trp482Ter; replaces tryptophan 482 with a stop codon.
Molecular consequence: nonsense.
Genome position (GRCh38, 1-based): chr8:86,628,954, C>T on the plus strand (G>A on the coding strand, the complement: CNGB3 is on the minus strand). VCF-style: chr8-86628954-C-T. GRCh37 (hg19) VCF-style: chr8-87641182-C-T.
Other names: short protein forms W482*.
Identifiers: ClinVar variation 5007349 (VCV005007349.2).

ClinVar aggregate classification (germline): Likely pathogenic (1 of 4 stars; one submission).

Conditions:
Achromatopsia 3 (ACHM3). Also called: PINGELAPESE BLINDNESS; TOTAL COLORBLINDNESS WITH MYOPIA; ROD MONOCHROMACY 1; ROD MONOCHROMATISM 1; ACHROMATOPSIA WITH MYOPIA. Identifiers: Orphanet 49382, MedGen C1849792, MONDO:0009875, OMIM 262300.

Submission:

Juno Genomics, Hangzhou Juno Genomics, Inc
Classification: Likely pathogenic for Achromatopsia 3. Review status: criteria provided, single submitter. Criteria: ACMG Guidelines, 2015. Collection method: clinical testing. Allele origin: germline.
Comment: Null variant in a gene where loss of function (LOF) is a known mechanism of disease.;Absent from controls (or at extremely low frequency if recessive) in Genome Aggregation Database.